The following is an entry in ClinVar:

ClinVar aggregate classification (germline): Uncertain significance (1 of 4 stars; one submission).

Conditions:
Combined immunodeficiency due to DOCK8 deficiency (HIES2). Also called: HIES autosomal recessive; Hyper-IgE recurrent infection syndrome, autosomal recessive; DOCK8 Deficiency; HYPER-IgE RECURRENT INFECTION SYNDROME 2, AUTOSOMAL RECESSIVE; HYPER-IgE SYNDROME 2, AUTOSOMAL RECESSIVE, WITH RECURRENT INFECTIONS. Identifiers: Orphanet 217390, MedGen C4722305, MONDO:0009478, OMIM 243700.

Allele frequency attached by ClinVar (database versions not stated): gnomAD exomes below 0.00001; gnomAD 0.00001.
gnomAD v4.1: 7 of 1,613,836 alleles (0.00043%); highest among the groups gnomAD compares: African/African-American, 0.0013%; no homozygotes.

Submission:

Labcorp Genetics (formerly Invitae), Labcorp
Classification: Uncertain significance for Combined immunodeficiency due to DOCK8 deficiency. Last evaluated: 2025-04-28. Review status: criteria provided, single submitter. Criteria: Invitae Variant Classification Sherloc (09022015). Collection method: clinical testing. Allele origin: germline.
Comment: This sequence change replaces serine, which is neutral and polar, with leucine, which is neutral and non-polar, at codon 1581 of the DOCK8 protein (p.Ser1581Leu). This variant is present in population databases (no rsID available, gnomAD 0.0009%). This variant has not been reported in the literature in individuals affected with DOCK8-related conditions. ClinVar contains an entry for this variant (Variation ID: 1001501). Invitae Evidence Modeling of protein sequence and biophysical properties (such as structural, functional, and spatial information, amino acid conservation, physicochemical variation, residue mobility, and thermodynamic stability) indicates that this missense variant is not expected to disrupt DOCK8 protein function with a negative predictive value of 80%. In summary, the available evidence is currently insufficient to determine the role of this variant in disease. Therefore, it has been classified as a Variant of Uncertain Significance.

NM_203447.4(DOCK8):c.4742C>T (p.Ser1581Leu)

Gene: DOCK8 (dedicator of cytokinesis 8; plus strand). Cytogenetic location: 9p24.3.
Variant type: single nucleotide variant.
Coding change: c.4742C>T on transcript NM_203447.4 (MANE Select); coding-DNA position 4742, C replaced by T.
Protein change: p.Ser1581Leu; replaces serine 1581 with leucine.
Molecular consequence: missense variant.
Genome position (GRCh38, 1-based): chr9:432,281, C>T. VCF-style: chr9-432281-C-T. GRCh37 (hg19) VCF-style: chr9-432281-C-T.
Other names: c.4442C>T, p.Ser1481Leu (NM_001190458.2); c.4538C>T, p.Ser1513Leu (NM_001193536.2); short protein forms S1481L, S1513L, S1581L.
Identifiers: ClinVar variation 1001501 (VCV001001501.9), dbSNP rs1380504794, ClinGen allele CA372766824.